The following is an entry in ClinVar:

ClinVar aggregate classification (germline): Conflicting classifications of pathogenicity. Review status: criteria provided, conflicting classifications (1 of 4 stars). 2 submissions from 2 submitters: Uncertain significance (1); Likely benign (1). Last evaluated 2026-03-01.

Allele frequency attached by ClinVar (database versions not stated): ExAC 0.00003; gnomAD exomes 0.00005; gnomAD 0.00008; TOPMed 0.00009.
gnomAD v4.1: 83 of 1,611,348 alleles (0.0052%); highest among the groups gnomAD compares: Admixed American, 0.01%; no homozygotes.

Submissions (2):

CeGaT Center for Human Genetics Tuebingen
Classification: Likely benign. Last evaluated: 2026-03-01. Review status: criteria provided, single submitter. Criteria: CeGaT Center For Human Genetics Tuebingen Variant Classification Criteria Version 2. Collection method: clinical testing. Allele origin: germline. Affected: yes. Observed: 1 variant allele.
Comment: MUC5B: BP4

Ambry Genetics
Classification: Uncertain significance. Last evaluated: 2023-09-20. Review status: criteria provided, single submitter. Criteria: Ambry Variant Classification Scheme 2023. Collection method: clinical testing. Allele origin: germline.

NM_002458.3(MUC5B):c.15401G>A (p.Arg5134His)

Gene: MUC5B (mucin 5B, oligomeric mucus/gel-forming; plus strand). Cytogenetic location: 11p15.5.
Variant type: single nucleotide variant.
Coding change: c.15401G>A on transcript NM_002458.3 (MANE Select); coding-DNA position 15401, G replaced by A.
Protein change: p.Arg5134His; replaces arginine 5134 with histidine.
Molecular consequence: missense variant.
Genome position (GRCh38, 1-based): chr11:1,254,275, G>A. VCF-style: chr11-1254275-G-A. GRCh37 (hg19) VCF-style: chr11-1275505-G-A.
Other names: short protein forms R5134H.
Identifiers: ClinVar variation 3149390 (VCV003149390.5), dbSNP rs756824603, ClinGen allele CA5809050.